The following is an entry in ClinVar:

NM_001378454.1(ALMS1):c.11577dup (p.Ile3860fs)

Gene: ALMS1 (ALMS1 centrosome and basal body associated protein; plus strand). Cytogenetic location: 2p13.1.
Variant type: Duplication.
Coding change: c.11577dup on transcript NM_001378454.1 (MANE Select); coding-DNA position 11577, one base duplicated (T; older notation c.11577dupT).
Protein change: p.Ile3860fs; shifts the reading frame from isoleucine 3860.
Molecular consequence: frameshift variant.
Genome position (GRCh38, 1-based): chr2:73,599,430, T duplicated. VCF-style (leftmost placement, unchanged base first): chr2-73599429-C-CT. GRCh37 (hg19) VCF-style: chr2-73826556-C-CT.
Other names: c.11580dup, p.Ile3861fs (NM_015120.4); short protein forms I3860fs, I3861fs.
Identifiers: ClinVar variation 1392337 (VCV001392337.6), dbSNP rs2104188795, ClinGen allele CA2573135808.
Genomic context (GRCh38, chr2:73,599,429, plus strand): 5'-TAATAATAACAAGATCTCTTTTATTTTTCTAGGTAGCAAACCATGTGATTTCTTCTGACT[C>CT]TATTTCCTCTTCTGCCAGTAGTTTCCTGAGCTCAAACTCTACTTTTTGCAACAAGCAGAA-3'

ClinVar aggregate classification (germline): Pathogenic (1 of 4 stars; one submission).

Conditions:
Alstrom syndrome (ALMS). Identifiers: Orphanet 64, MedGen C0268425, MONDO:0008763, OMIM 203800.

Allele frequency attached by ClinVar (database versions not stated): gnomAD exomes below 0.00001.

Submission:

Labcorp Genetics (formerly Invitae), Labcorp
Classification: Pathogenic for Alstrom syndrome. Last evaluated: 2021-04-04. Review status: criteria provided, single submitter. Criteria: Invitae Variant Classification Sherloc (09022015). Collection method: clinical testing. Allele origin: germline.
Comment: For these reasons, this variant has been classified as Pathogenic. This variant has not been reported in the literature in individuals with ALMS1-related conditions. This variant is not present in population databases (ExAC no frequency). This sequence change creates a premature translational stop signal (p.Ile3861Tyrfs*7) in the ALMS1 gene. It is expected to result in an absent or disrupted protein product. Loss-of-function variants in ALMS1 are known to be pathogenic (PMID: 17594715).

Literature cited by the submitters: PubMed 17594715.